The following is an entry in ClinVar:

ClinVar aggregate classification (germline): Uncertain significance (1 of 4 stars; one submission).

Conditions:
Dyskeratosis congenita, autosomal dominant 2. Identifiers: MedGen C3151443, MONDO:0013521, OMIM 613989.
Idiopathic Pulmonary Fibrosis. Also called: Idiopathic fibrosing alveolitis, chronic form; idiopathic fibrosing alveolitis. Identifiers: Orphanet 2032, MedGen C1800706, MeSH D054990, MONDO:0800504.

Submission:

Labcorp Genetics (formerly Invitae), Labcorp
Classification: Uncertain significance for Dyskeratosis congenita, autosomal dominant 2; Idiopathic Pulmonary Fibrosis. Last evaluated: 2022-12-21. Review status: criteria provided, single submitter. Criteria: Invitae Variant Classification Sherloc (09022015). Collection method: clinical testing. Allele origin: germline.
Comment: This variant has not been reported in the literature in individuals affected with TERT-related conditions. This sequence change replaces alanine, which is neutral and non-polar, with valine, which is neutral and non-polar, at codon 9 of the TERT protein (p.Ala9Val). This variant is not present in population databases (gnomAD no frequency). Advanced modeling of protein sequence and biophysical properties (such as structural, functional, and spatial information, amino acid conservation, physicochemical variation, residue mobility, and thermodynamic stability) performed at Invitae indicates that this missense variant is expected to disrupt TERT protein function. In summary, the available evidence is currently insufficient to determine the role of this variant in disease. Therefore, it has been classified as a Variant of Uncertain Significance.

NM_198253.3(TERT):c.26C>T (p.Ala9Val)

Genes: TERT (telomerase reverse transcriptase; minus strand), LOC110806263 (TERT 5' regulatory region; plus strand). Cytogenetic location: 5p15.33.
Variant type: single nucleotide variant.
Coding change: c.26C>T on transcript NM_198253.3 (MANE Select); coding-DNA position 26, C replaced by T.
Protein change: p.Ala9Val; replaces alanine 9 with valine.
Molecular consequence: missense variant. On other transcripts: non-coding transcript variant (2).
Genome position (GRCh38, 1-based): chr5:1,294,964, G>A on the plus strand (C>T on the coding strand, the complement: TERT is on the minus strand). VCF-style: chr5-1294964-G-A. GRCh37 (hg19) VCF-style: chr5-1295079-G-A.
Other names: c.26C>T, p.Ala9Val (NM_001193376.3, NM_003219.1); short protein forms A9V.
Identifiers: ClinVar variation 2934760 (VCV002934760.3), dbSNP rs2126692963, ClinGen allele CA359059921.